The following is an entry in ClinVar:

NM_032816.5(CEP89):c.686G>A (p.Arg229His)

Gene: CEP89 (centrosomal protein 89; minus strand). Cytogenetic location: 19q13.11.
Variant type: single nucleotide variant.
Coding change: c.686G>A on transcript NM_032816.5 (MANE Select); coding-DNA position 686, G replaced by A.
Protein change: p.Arg229His; replaces arginine 229 with histidine.
Molecular consequence: missense variant.
Genome position (GRCh38, 1-based): chr19:32,933,651, C>T on the plus strand (G>A on the coding strand, the complement: CEP89 is on the minus strand). VCF-style: chr19-32933651-C-T. GRCh37 (hg19) VCF-style: chr19-33424557-C-T.
Other names: short protein forms R229H.
Identifiers: ClinVar variation 2063731 (VCV002063731.4), dbSNP rs748431464, ClinGen allele CA9359529.

ClinVar aggregate classification (germline): Uncertain significance (1 of 4 stars; one submission).

Allele frequency attached by ClinVar (database versions not stated): ExAC 0.00003; gnomAD 0.00003; gnomAD exomes 0.00003; TOPMed 0.00003.
gnomAD v4.1: 45 of 1,608,840 alleles (0.0028%); highest among the groups gnomAD compares: South Asian, 0.011%; no homozygotes.

Submission:

Labcorp Genetics (formerly Invitae), Labcorp
Classification: Uncertain significance. Last evaluated: 2024-02-24. Review status: criteria provided, single submitter. Criteria: Invitae Variant Classification Sherloc (09022015). Collection method: clinical testing. Allele origin: germline.
Comment: This sequence change replaces arginine, which is basic and polar, with histidine, which is basic and polar, at codon 229 of the CEP89 protein (p.Arg229His). This variant is present in population databases (rs748431464, gnomAD 0.007%). This variant has not been reported in the literature in individuals affected with CEP89-related conditions. ClinVar contains an entry for this variant (Variation ID: 2063731). Algorithms developed to predict the effect of missense changes on protein structure and function output the following: SIFT: "Not Available"; PolyPhen-2: "Benign"; Align-GVGD: "Not Available". The histidine amino acid residue is found in multiple mammalian species, which suggests that this missense change does not adversely affect protein function. In summary, the available evidence is currently insufficient to determine the role of this variant in disease. Therefore, it has been classified as a Variant of Uncertain Significance.